The following is an entry in ClinVar:

ClinVar aggregate classification (germline): Pathogenic (1 of 4 stars; one submission).

Submission:

GeneDx
Classification: Pathogenic. Last evaluated: 2016-08-26. Review status: criteria provided, single submitter. Criteria: GeneDx Variant Classification (06012015). Collection method: clinical testing. Allele origin: germline. Affected: yes.
Comment: The c.8864_8868delTCTCA pathogenic variant in the KMT2A gene causes a frameshift starting with codon Isoleucine 2955, changes this amino acid to an Arginine residue and creates a premature Stop codon at position 18 of the new reading frame, denoted p.I2955RfsX18. This variant is predicted to cause loss of normal protein function either through protein truncation or nonsense-mediated mRNA decay. It was not observed in approximately 6,500 individuals of European and African American ancestry in the NHLBI Exome Sequencing Project, indicating it is not a common benign variant in these populations.

NM_001197104.2(KMT2A):c.8864_8868del (p.Ile2955fs)

Gene: KMT2A (lysine methyltransferase 2A; plus strand). Cytogenetic location: 11q23.3.
Variant type: Deletion.
Coding change: c.8864_8868del on transcript NM_001197104.2 (MANE Select); coding-DNA positions 8864 to 8868, 5 bases deleted (TCTCA; older notation c.8864_8868delTCTCA).
Protein change: p.Ile2955fs; shifts the reading frame from isoleucine 2955.
Molecular consequence: frameshift variant.
Genome position (GRCh38, 1-based): chr11:118,504,756-118,504,760, TCTCA deleted; deleting any 5 consecutive bases within chr11:118,504,755-118,504,760 gives the same sequence; the c. name uses the placement nearest the transcript's 3' end. VCF-style (leftmost placement, unchanged base first): chr11-118504754-TATCTC-T. GRCh37 (hg19) VCF-style: chr11-118375469-TATCTC-T.
Other names: c.8855_8859del, p.Ile2952fs (NM_005933.4); c.8864_8868delTCTCA (NM_001197104.1); short protein forms I2952fs, I2955fs.
Identifiers: ClinVar variation 280807 (VCV000280807.2), dbSNP rs886041947, ClinGen allele CA10603104.